The following is an entry in ClinVar:

NM_000186.4(CFH):c.197G>A (p.Cys66Tyr)

Gene: CFH (complement factor H; plus strand). Cytogenetic location: 1q31.3.
Variant type: single nucleotide variant.
Coding change: c.197G>A on transcript NM_000186.4 (MANE Select); coding-DNA position 197, G replaced by A.
Protein change: p.Cys66Tyr; replaces cysteine 66 with tyrosine.
Molecular consequence: missense variant.
Genome position (GRCh38, 1-based): chr1:196,673,116, G>A. VCF-style: chr1-196673116-G-A. GRCh37 (hg19) VCF-style: chr1-196642246-G-A.
Other names: c.197G>A, p.Cys66Tyr (NM_001014975.3); short protein forms C66Y.
Identifiers: ClinVar variation 4291460 (VCV004291460.2).

ClinVar aggregate classification (germline): Likely pathogenic (1 of 4 stars; one submission).

Conditions:
Atypical hemolytic-uremic syndrome. Identifiers: Orphanet 2134, MedGen C2931788, MONDO:0016244.
Factor H deficiency (CFHD). Also called: COMPLEMENT FACTOR H DEFICIENCY; CFH DEFICIENCY. Identifiers: Orphanet 200421, MedGen C0398777, MONDO:0012350, OMIM 609814.

Submission:

Genomenon, Inc
Classification: Likely pathogenic for Atypical hemolytic-uremic syndrome; Factor H deficiency. Last evaluated: 2026-09-17. Review status: criteria provided, single submitter. Criteria: Genomenon Sequence Variant Interpretation Standards - Updated. Collection method: curation. Allele origin: germline. Affected: yes.
Comment: CFH p.Cys66Tyr (c.197G>A) is a missense variant that changes the amino acid at codon 66 from cysteine to tyrosine. This variant has been observed in at least one proband affected with a CFH-related disorder (PMID: 28637589; 28941939). The variant was found to segregate with disease in at least one affected family (PMID: 28637589). Functional studies have been reported (PMID: 28941939). It is absent or not present at a significant frequency in gnomAD. In silico models predict that this variant is possibly or probably damaging. In conclusion, we classify CFH p.Cys66Tyr (c.197G>A) as a likely pathogenic variant.

Literature cited by the submitters: PubMed 28637589; PubMed 28941939.